The following is an entry in ClinVar:

NM_014516.4(CNOT3):c.1189G>T (p.Gly397Ter)

Gene: CNOT3 (CCR4-NOT transcription complex subunit 3; plus strand). Cytogenetic location: 19q13.42.
Variant type: single nucleotide variant.
Coding change: c.1189G>T on transcript NM_014516.4 (MANE Select); coding-DNA position 1189, G replaced by T.
Protein change: p.Gly397Ter; replaces glycine 397 with a stop codon.
Molecular consequence: nonsense.
Genome position (GRCh38, 1-based): chr19:54,148,442, G>T. VCF-style: chr19-54148442-G-T. GRCh37 (hg19) VCF-style: chr19-54652177-G-T.
Other names: short protein forms G397*.
Identifiers: ClinVar variation 3834570 (VCV003834570.1).

ClinVar aggregate classification (germline): Pathogenic (1 of 4 stars; one submission).

Conditions:
Inborn genetic diseases. Identifiers: MedGen C0950123, MeSH D030342.

Submission:

Ambry Genetics
Classification: Pathogenic for Inborn genetic diseases. Last evaluated: 2024-12-16. Review status: criteria provided, single submitter. Criteria: Ambry Variant Classification Scheme 2023. Collection method: clinical testing. Allele origin: germline.
Comment: The c.1189G>T (p.G397*) alteration, located in exon 11 (coding exon 10) of the CNOT3 gene, consists of a G to T substitution at nucleotide position 1189. This changes the amino acid from a glycine (G) to a stop codon at amino acid position 397. This alteration is expected to result in loss of function by premature protein truncation or nonsense-mediated mRNA decay. This variant was not reported in population-based cohorts in the Genome Aggregation Database (gnomAD). Based on the available evidence, this alteration is classified as pathogenic.